The following is an entry in ClinVar:

ClinVar aggregate classification (germline): Uncertain significance (1 of 4 stars; one submission).

Conditions:
Hereditary cancer-predisposing syndrome. Also called: Neoplastic Syndromes, Hereditary; Tumor predisposition; Hereditary Cancer Syndrome; Hereditary neoplastic syndrome. Identifiers: Orphanet 140162, MedGen C0027672, MeSH D009386, MONDO:0015356.

Allele frequency attached by ClinVar (database versions not stated): gnomAD exomes below 0.00001.
gnomAD v4.1: 3 of 1,614,034 alleles (0.00019%); highest among the groups gnomAD compares: Non-Finnish European, 0.00017%; no homozygotes.

Submission:

Ambry Genetics
Classification: Uncertain significance for Hereditary cancer-predisposing syndrome. Last evaluated: 2025-06-28. Review status: criteria provided, single submitter. Criteria: Ambry Variant Classification Scheme 2023. Collection method: clinical testing. Allele origin: germline.
Comment: The p.G455V variant (also known as c.1364G>T), located in coding exon 12 of the MRE11A gene, results from a G to T substitution at nucleotide position 1364. The glycine at codon 455 is replaced by valine, an amino acid with dissimilar properties. This amino acid position is highly conserved in available vertebrate species. In addition, this alteration is predicted to be deleterious by in silico analysis. Since supporting evidence is limited at this time, the clinical significance of this alteration remains unclear.

NM_005591.4(MRE11):c.1364G>T (p.Gly455Val)

Gene: MRE11 (MRE11 double strand break repair nuclease; minus strand). Cytogenetic location: 11q21.
Variant type: single nucleotide variant.
Coding change: c.1364G>T on transcript NM_005591.4 (MANE Select); coding-DNA position 1364, G replaced by T.
Protein change: p.Gly455Val; replaces glycine 455 with valine.
Molecular consequence: missense variant.
Genome position (GRCh38, 1-based): chr11:94,459,544, C>A on the plus strand (G>T on the coding strand, the complement: MRE11 is on the minus strand). VCF-style: chr11-94459544-C-A. GRCh37 (hg19) VCF-style: chr11-94192710-C-A.
Other names: c.1364G>T, p.Gly455Val (NM_001330347.2, NM_005590.4); short protein forms G455V.
Identifiers: ClinVar variation 1799659 (VCV001799659.3), dbSNP rs2134991368, ClinGen allele CA382371979.